The following is an entry in ClinVar:

ClinVar aggregate classification (germline): Benign (1 of 4 stars; one submission).

Conditions:
Hereditary spastic paraplegia 6 (SPG6). Also called: SPASTIC PARAPLEGIA 6, AUTOSOMAL DOMINANT. Identifiers: Orphanet 100988, MedGen C1838192, MONDO:0010878, OMIM 600363.

Allele frequency attached by ClinVar (database versions not stated): gnomAD 0.00029 and 0.00039; TOPMed 0.00041; 1000 Genomes Project 0.00060; 1000 Genomes Project 30x 0.00078.

Submission:

Illumina Laboratory Services, Illumina
Classification: Benign for Hereditary spastic paraplegia 6. Last evaluated: 2018-01-13. Review status: criteria provided, single submitter. Criteria: ICSL Variant Classification Criteria 13 December 2019. Collection method: clinical testing. Allele origin: germline.
Comment: This variant was observed in the ICSL laboratory as part of a predisposition screen in an ostensibly healthy population. It had not been previously curated by ICSL or reported in the Human Gene Mutation Database (HGMD: prior to June 1st, 2018), and was therefore a candidate for classification through an automated scoring system. Utilizing variant allele frequency, disease prevalence and penetrance estimates, and inheritance mode, an automated score was calculated to assess if this variant is too frequent to cause the disease. Based on the score and internal cut-off values, a variant classified as benign is not then subjected to further curation. The score for this variant resulted in a classification of benign for this disease.

NM_144599.5(NIPA1):c.*3400C>T

Gene: NIPA1 (NIPA magnesium transporter 1; plus strand). Cytogenetic location: 15q11.2.
Variant type: single nucleotide variant.
Coding change: c.*3400C>T on transcript NM_144599.5 (MANE Select); 3400 bases downstream of the stop codon, C replaced by T.
Molecular consequence: 3 prime UTR variant.
Genome position (GRCh38, 1-based): chr15:22,827,639, C>T. VCF-style: chr15-22827639-C-T. GRCh37 (hg19) VCF-style: chr15-23045429-G-A.
Other names: c.*3400C>T (NM_001142275.1).
Identifiers: ClinVar variation 315360 (VCV000315360.5), dbSNP rs577663387, ClinGen allele CA10645583.